The following is an entry in ClinVar:

NM_002860.4(ALDH18A1):c.933+19_933+20insAAGAATCTGGTGCCTTACACGTATGTTTATTGCGGCACTATTCACAATAGCAAAGACTTGGAACCAACCCAAATGTCCAACAATGATAAGATNNNNNNNNNNAAAAAAAAAAAAAAAAAAAA

Gene: ALDH18A1 (aldehyde dehydrogenase 18 family member A1; minus strand). Cytogenetic location: 10q24.1.
Variant type: Insertion.
Coding change: c.933+19_933+20insAAGAATCTGGTGCCTTACACGTATGTTTATTGCGGCACTATTCACAATAGCAAAGACTTGGAACCAACCCAAATGTCCAACAATGATAAGATNNNNNNNNNNAAAAAAAAAAAAAAAAAAAA on transcript NM_002860.4 (MANE Select); bases 19 to 20 of the intron after coding-DNA position 933, AAGAATCTGGTGCCTTACACGTATGTTTATTGCGGCACTATTCACAATAGCAAAGACTTGGAACCAACCCAAATGTCCAACAATGATAAGATNNNNNNNNNNAAAAAAAAAAAAAAAAAAAA inserted.
Molecular consequence: intron variant.
Genome position: GRCh38: chr10:95,628,365-95,628,366. GRCh37 (hg19): chr10:97,388,122-97,388,123.
Other names: c.600+19_600+20insAAGAATCTGGTGCCTTACACGTATGTTTATTGCGGCACTATTCACAATAGCAAAGACTTGGAACCAACCCAAATGTCCAACAATGATAAGATNNNNNNNNNNAAAAAAAAAAAAAAAAAAAA (NM_001323412.2, NM_001323416.2); c.828+19_828+20insAAGAATCTGGTGCCTTACACGTATGTTTATTGCGGCACTATTCACAATAGCAAAGACTTGGAACCAACCCAAATGTCCAACAATGATAAGATNNNNNNNNNNAAAAAAAAAAAAAAAAAAAA (NM_001323417.2); c.927+19_927+20insAAGAATCTGGTGCCTTACACGTATGTTTATTGCGGCACTATTCACAATAGCAAAGACTTGGAACCAACCCAAATGTCCAACAATGATAAGATNNNNNNNNNNAAAAAAAAAAAAAAAAAAAA (NM_001017423.2, NM_001323415.2); c.594+19_594+20insAAGAATCTGGTGCCTTACACGTATGTTTATTGCGGCACTATTCACAATAGCAAAGACTTGGAACCAACCCAAATGTCCAACAATGATAAGATNNNNNNNNNNAAAAAAAAAAAAAAAAAAAA (NM_001323418.2); c.933+19_933+20insAAGAATCTGGTGCCTTACACGTATGTTTATTGCGGCACTATTCACAATAGCAAAGACTTGGAACCAACCCAAATGTCCAACAATGATAAGATNNNNNNNNNNAAAAAAAAAAAAAAAAAAAA (NM_001323413.2, NM_001323414.2); c.297+19_297+20insAAGAATCTGGTGCCTTACACGTATGTTTATTGCGGCACTATTCACAATAGCAAAGACTTGGAACCAACCCAAATGTCCAACAATGATAAGATNNNNNNNNNNAAAAAAAAAAAAAAAAAAAA (NM_001323419.2).
Identifiers: ClinVar variation 2945927 (VCV002945927.3), dbSNP rs2526834990.

ClinVar aggregate classification (germline): Uncertain significance (1 of 4 stars; one submission).

Conditions:
Autosomal dominant spastic paraplegia type 9. Identifiers: MedGen C1832669, MONDO:0015091.
de Barsy syndrome. Also called: Cutis laxa-corneal clouding-oligophrenia syndrome. Identifiers: Orphanet 2962, MedGen C0268354, MONDO:0017569.
Cutis laxa, autosomal dominant 3 (ADCL3). Identifiers: Orphanet 90348, MedGen C4225268, MONDO:0014706, OMIM 616603.

Submission:

Labcorp Genetics (formerly Invitae), Labcorp
Classification: Uncertain significance for Autosomal dominant spastic paraplegia type 9; de Barsy syndrome; Cutis laxa, autosomal dominant 3. Last evaluated: 2025-02-10. Review status: criteria provided, single submitter. Criteria: Invitae Variant Classification Sherloc (09022015). Collection method: clinical testing. Allele origin: germline.
Comment: This sequence change falls in intron 8 of the ALDH18A1 gene. It does not directly change the encoded amino acid sequence of the ALDH18A1 protein. This variant is not present in population databases (gnomAD no frequency). This variant has not been reported in the literature in individuals affected with ALDH18A1-related conditions. ClinVar contains an entry for this variant (Variation ID: 2945927). In summary, the available evidence is currently insufficient to determine the role of this variant in disease. Therefore, it has been classified as a Variant of Uncertain Significance.